The following is an entry in ClinVar:

NM_003119.4(SPG7):c.1543G>C (p.Gly515Arg)

Gene: SPG7 (SPG7 matrix AAA peptidase subunit, paraplegin; plus strand). Cytogenetic location: 16q24.3.
Variant type: single nucleotide variant.
Coding change: c.1543G>C on transcript NM_003119.4 (MANE Select); coding-DNA position 1543, G replaced by C.
Protein change: p.Gly515Arg; replaces glycine 515 with arginine.
Molecular consequence: missense variant.
Genome position (GRCh38, 1-based): chr16:89,546,751, G>C. VCF-style: chr16-89546751-G-C. GRCh37 (hg19) VCF-style: chr16-89613159-G-C.
Other names: c.1543G>C, p.Gly515Arg (NM_001363850.1); short protein forms G515R.
Identifiers: ClinVar variation 981052 (VCV000981052.4), dbSNP rs972175989, ClinGen allele CA397426623.
Genomic context (GRCh38, chr16:89,546,751, plus strand): 5'-AGCCTGAAGCTGACCCAGTCCAGCACCTTTTACTCCCAGCGTCTGGCAGAGCTGACACCA[G>C]GATTCAGTGGTACGTTCTCAACCCGCAGCCTGGGCAGCGTCACGTCCTGAGGGCAGGTGG-3'
Protein context (NP_003110.1, residues 505-525): YSQRLAELTP[Gly515Arg]FSGADIANIC

ClinVar aggregate classification (germline): Uncertain significance. Review status: criteria provided, multiple submitters, no conflicts (2 of 4 stars). 2 submissions from 2 submitters: Uncertain significance (2). Last evaluated 2020-05-26.

Conditions:
Hereditary spastic paraplegia 7 (SPG7). Also called: Autosomal recessive spastic paraplegia type 7; SPG7-related neurologic disorder; SPASTIC PARAPLEGIA 7, AUTOSOMAL RECESSIVE, WITH OR WITHOUT CEREBELLAR ATAXIA; Spastic paraplegia 7; Hereditary spastic paraplegia Paraplegin type. Identifiers: Orphanet 99013, MedGen C1846564, MONDO:0011803, OMIM 607259.

Allele frequency attached by ClinVar (database versions not stated): gnomAD exomes below 0.00001; TOPMed below 0.00001.
gnomAD v4.1: 3 of 1,609,412 alleles (0.00019%); highest among the groups gnomAD compares: Non-Finnish European, 0.00026%; no homozygotes.

Submissions (2):

Institute of Human Genetics, University of Goettingen
Classification: Uncertain significance for Hereditary spastic paraplegia 7. Last evaluated: 2020-05-26. Review status: criteria provided, single submitter. Criteria: ACMG Guidelines, 2015. Collection method: clinical testing. Allele origin: unknown. Affected: yes. Observed: 1 heterozygote.
Comment: The variant is absent from controls.

Blueprint Genetics
Classification: Uncertain significance. Last evaluated: 2019-10-28. Review status: criteria provided, single submitter. Criteria: ACMG Guidelines, 2015. Collection method: clinical testing. Allele origin: germline.